The following is an entry in ClinVar:

ClinVar aggregate classification (germline): Uncertain significance (1 of 4 stars; one submission).

gnomAD v4.1: 33 of 1,512,066 alleles (0.0022%); highest among the groups gnomAD compares: Non-Finnish European, 0.0029%; no homozygotes.

Submission:

Labcorp Genetics (formerly Invitae), Labcorp
Classification: Uncertain significance. Last evaluated: 2023-12-06. Review status: criteria provided, single submitter. Criteria: Invitae Variant Classification Sherloc (09022015). Collection method: clinical testing. Allele origin: germline.
Comment: This sequence change replaces alanine, which is neutral and non-polar, with serine, which is neutral and polar, at codon 673 of the VAV1 protein (p.Ala673Ser). The frequency data for this variant in the population databases is considered unreliable, as metrics indicate poor data quality at this position in the gnomAD database. This variant has not been reported in the literature in individuals affected with VAV1-related conditions. An algorithm developed to predict the effect of missense changes on protein structure and function (PolyPhen-2) suggests that this variant is likely to be disruptive. In summary, the available evidence is currently insufficient to determine the role of this variant in disease. Therefore, it has been classified as a Variant of Uncertain Significance.

NM_005428.4(VAV1):c.2017G>T (p.Ala673Ser)

Gene: VAV1 (vav guanine nucleotide exchange factor 1; plus strand). Cytogenetic location: 19p13.3.
Variant type: single nucleotide variant.
Coding change: c.2017G>T on transcript NM_005428.4 (MANE Select); coding-DNA position 2017, G replaced by T.
Protein change: p.Ala673Ser; replaces alanine 673 with serine.
Molecular consequence: missense variant.
Genome position (GRCh38, 1-based): chr19:6,848,002, G>T. VCF-style: chr19-6848002-G-T. GRCh37 (hg19) VCF-style: chr19-6848013-G-T.
Other names: c.1951G>T, p.Ala651Ser (NM_001258206.2); c.1921G>T, p.Ala641Ser (NM_001258207.2); short protein forms A641S, A673S, A651S.
Identifiers: ClinVar variation 2902504 (VCV002902504.3), dbSNP rs150162861, ClinGen allele CA403635120.